The following is an entry in ClinVar:

NM_000138.5(FBN1):c.165-11T>G

Gene: FBN1 (fibrillin 1; minus strand). Cytogenetic location: 15q21.1.
Variant type: single nucleotide variant.
Coding change: c.165-11T>G on transcript NM_000138.5 (MANE Select); 11 bases into the intron before coding-DNA position 165, T replaced by G.
Molecular consequence: intron variant.
Genome position (GRCh38, 1-based): chr15:48,613,103, A>C on the plus strand (T>G on the coding strand, the complement: FBN1 is on the minus strand). VCF-style: chr15-48613103-A-C. GRCh37 (hg19) VCF-style: chr15-48905300-A-C.
Other names: c.165-11T>G (NM_001406716.1, NM_001406717.1).
Identifiers: ClinVar variation 3386870 (VCV003386870.1).
Genomic context (GRCh38, chr15:48,613,103, plus strand): 5'-TCCATCCAGGGCAACAGTAAGCATTATAACGTGATCCACAGACATTGGGTCTAAAACAAA[A>C]ACAGAAGAATTCCATACTTTAAAAAAAAGAAGAAGAGGAAGAGATGGCCAAATAAAAGGA-3'

ClinVar aggregate classification (germline): Likely benign (1 of 4 stars; one submission).

Conditions:
Marfan syndrome (MFS). Also called: MARFAN SYNDROME, TYPE I; Marfan syndrome type 1; Marfan's syndrome; FBN1-Related Marfan Syndrome; Marfan syndrome, classic. Identifiers: Orphanet 284963, Orphanet 558, MedGen C0024796, MONDO:0007947, OMIM 154700.

Submission:

All of Us Research Program, National Institutes of Health
Classification: Likely benign for Marfan syndrome. Last evaluated: 2024-02-22. Review status: criteria provided, single submitter. Criteria: ACMG Guidelines, 2015. Collection method: clinical testing. Allele origin: germline. Inheritance: Autosomal dominant inheritance. Observed: 1 variant allele, 1 heterozygote.
Comment: This study involves interpretation of variants in research participants for the purpose of population health screening. Participant phenotype was not available at the time of variant classification. Additional details can be found in publication PMID: 35346344, PMCID: PMC8962531